The following is an entry in ClinVar:

ClinVar aggregate classification (germline): Benign/Likely benign. Review status: criteria provided, multiple submitters, no conflicts (2 of 4 stars). 3 submissions from 3 submitters: Benign (1); Likely benign (2). Last evaluated 2025-12-28.

Conditions:
Hyperkalemic periodic paralysis. Also called: Familial hyperkalemic periodic paralysis; Gamstorp disease. Identifiers: Orphanet 682, MedGen C0238357, MONDO:0008224, OMIM 170500, HP:0007215.

Allele frequency attached by ClinVar (database versions not stated): ExAC 0.00143; ESP Exome Variant Server 0.00219; gnomAD 0.00232; TOPMed 0.00258; 1000 Genomes Project 30x 0.00437; 1000 Genomes Project 0.00459.
gnomAD v4.1: 708 of 1,426,348 alleles (0.05%); highest among the groups gnomAD compares: African/African-American, 0.88%; 8 homozygotes.

Submissions (3):

Labcorp Genetics (formerly Invitae), Labcorp
Classification: Benign for Hyperkalemic periodic paralysis. Last evaluated: 2025-12-28. Review status: criteria provided, single submitter. Criteria: Invitae Variant Classification Sherloc (09022015). Collection method: clinical testing. Allele origin: germline.

Blueprint Genetics
Classification: Likely benign. Last evaluated: 2024-08-06. Review status: criteria provided, single submitter. Criteria: ACMG Guidelines, 2015. Collection method: clinical testing. Allele origin: germline.

GeneDx
Classification: Likely benign. Last evaluated: 2018-02-01. Review status: criteria provided, single submitter. Criteria: GeneDx Variant Classification (06012015). Collection method: clinical testing. Allele origin: germline. Affected: yes.
Comment: This variant is considered likely benign or benign based on one or more of the following criteria: it is a conservative change, it occurs at a poorly conserved position in the protein, it is predicted to be benign by multiple in silico algorithms, and/or has population frequency not consistent with disease.

NM_000334.4(SCN4A):c.612-18C>A

Gene: SCN4A (sodium voltage-gated channel alpha subunit 4; minus strand). Cytogenetic location: 17q23.3.
Variant type: single nucleotide variant.
Coding change: c.612-18C>A on transcript NM_000334.4 (MANE Select); 18 bases into the intron before coding-DNA position 612, C replaced by A.
Molecular consequence: intron variant.
Genome position (GRCh38, 1-based): chr17:63,971,271, G>T on the plus strand (C>A on the coding strand, the complement: SCN4A is on the minus strand). VCF-style: chr17-63971271-G-T. GRCh37 (hg19) VCF-style: chr17-62048631-G-T.
Identifiers: ClinVar variation 390524 (VCV000390524.10), dbSNP rs377510393, ClinGen allele CA8710095.
Genomic context (GRCh38, chr17:63,971,271, plus strand): 5'-CAGGGCTGAGATGTTGCCCAAGTCCACAAACTCTGTCAGGTACCTGGGTAGGGGGTGGAG[G>T]GGGGTGGGGACTGTCAGAGCCTGGGGTGGGTGGTAGGACAGAAATCAGGGCTCCTCCAGG-3'